The following is an entry in ClinVar:

ClinVar aggregate classification (germline): Likely pathogenic (1 of 4 stars; one submission).

Conditions:
Mitochondrial disease. Also called: Mitochondrial disorders; Mitochondrial disorder. Identifiers: Orphanet 68380, MedGen C0751651, MeSH D028361, MONDO:0044970.

Submission:

Genomenon, Inc
Classification: Likely pathogenic for Mitochondrial disease. Last evaluated: 2025-11-24. Review status: criteria provided, single submitter. Criteria: Genomenon Sequence Variant Interpretation Standards - Updated. Collection method: curation. Allele origin: germline. Affected: yes.
Comment: TK2 p.Met132Thr (c.395T>C) is a missense variant that changes the amino acid at residue 132 from Methionine to Threonine. This variant has been observed in a proband affected with mitochondrial disease in the compound heterozygous state (29602790). TK2 Met132Thr is located in a mutational hotspot and/or important functional domain. This variant is not present at a significant frequency in gnomAD and in silico models agree that this variant is possibly or probably damaging. In conclusion, we classify TK2 p.Met132Thr (c.395T>C) as a likely pathogenic variant.

Literature cited by the submitters: PubMed 29602790.

NM_004614.5(TK2):c.395T>C (p.Met132Thr)

Gene: TK2 (thymidine kinase 2; minus strand). Cytogenetic location: 16q21.
Variant type: single nucleotide variant.
Coding change: c.395T>C on transcript NM_004614.5 (MANE Select); coding-DNA position 395, T replaced by C.
Protein change: p.Met132Thr; replaces methionine 132 with threonine.
Molecular consequence: missense variant. On other transcripts: non-coding transcript variant (1).
Genome position (GRCh38, 1-based): chr16:66,529,048, A>G on the plus strand (T>C on the coding strand, the complement: TK2 is on the minus strand). VCF-style: chr16-66529048-A-G. GRCh37 (hg19) VCF-style: chr16-66562951-A-G.
Other names: c.302T>C, p.Met101Thr (NM_001172643.1, NM_001271935.1); c.320T>C, p.Met107Thr (NM_001172644.2); c.341T>C, p.Met114Thr (NM_001172645.2); c.248T>C, p.Met83Thr (NM_001271934.2); c.104T>C, p.Met35Thr (NM_001272050.2); short protein forms M101T, M107T, M114T, M132T, M35T, M83T.
Identifiers: ClinVar variation 3778851 (VCV003778851.2).
Genomic context (GRCh38, chr16:66,529,048, plus strand): 5'-CAGTACCTTCTATACAGGTTTTCTACAAAAATGTATCTTGCGCTGTGAATCGACCTCTCC[A>G]TCAACCGTACAGATGACACCTAAAGGAAAACAAAAAGAGAATCACTAACTCAGGGGAAAA-3'
Protein context (NP_004605.4, residues 122-142): TRPQVSSVRL[Met132Thr]ERSIHSARYI